The following is an entry in ClinVar:

ClinVar aggregate classification (germline): Pathogenic (1 of 4 stars; one submission).

Conditions:
Familial adenomatous polyposis 1 (FAP1). Also called: FAMILIAL ADENOMATOUS POLYPOSIS 1, ATTENUATED; POLYPOSIS, ADENOMATOUS INTESTINAL. Identifiers: MedGen C2713442, MONDO:0021056, OMIM 175100. Disease mechanism: loss of function.

Submission:

Myriad Genetics, Inc.
Classification: Pathogenic for Familial adenomatous polyposis 1. Last evaluated: 2023-05-10. Review status: criteria provided, single submitter. Criteria: Myriad Autosomal Dominant, Autosomal Recessive and X-Linked Classification Criteria (2023). Collection method: clinical testing. Allele origin: unknown.
Comment: This variant is considered pathogenic. This variant creates a frameshift predicted to result in premature protein truncation.

NM_000038.6(APC):c.4132del (p.Gln1378fs)

Gene: APC (APC regulator of Wnt signaling pathway; plus strand). Cytogenetic location: 5q22.2.
Variant type: Deletion.
Coding change: c.4132del on transcript NM_000038.6 (MANE Select); coding-DNA position 4132, one base deleted (C; older notation c.4132delC).
Protein change: p.Gln1378fs; shifts the reading frame from glutamine 1378.
Molecular consequence: frameshift variant. On other transcripts: non-coding transcript variant (2).
Genome position (GRCh38, 1-based): chr5:112,839,726, C deleted. VCF-style (leftmost placement, unchanged base first): chr5-112839725-TC-T. GRCh37 (hg19) VCF-style: chr5-112175422-TC-T.
Other names: c.4132del, p.Gln1378fs (NM_001127510.3, NM_001354895.2, NM_001407450.1); c.4078del, p.Gln1360fs (NM_001127511.3); c.4186del, p.Gln1396fs (NM_001354896.2, NM_001407447.1, NM_001407448.1 and 1 more transcripts); c.4162del, p.Gln1388fs (NM_001354897.2); c.4057del, p.Gln1353fs (NM_001354898.2); c.4048del, p.Gln1350fs (NM_001354899.2); c.4009del, p.Gln1337fs (NM_001354900.2); c.3955del, p.Gln1319fs (NM_001354901.2, NM_001407453.1); and 11 more; short protein forms Q1095fs, Q1218fs, Q1249fs, Q1252fs, Q1277fs, Q1287fs, Q1295fs, Q1319fs.
Identifiers: ClinVar variation 2584044 (VCV002584044.1), dbSNP rs2533550966, ClinGen allele CA2582341558.